The following is an entry in ClinVar:

ClinVar aggregate classification (germline): Uncertain significance. Review status: criteria provided, multiple submitters, no conflicts (2 of 4 stars). 2 submissions from 2 submitters: Uncertain significance (2). Last evaluated 2024-01-09.

Conditions:
Intellectual developmental disorder, X-linked 1. Also called: Atkin Flaitz Patil Smith syndrome; Intellectual disability, X-linked 1; MENTAL RETARDATION, X-LINKED 18; MENTAL RETARDATION, X-LINKED 78. Identifiers: Orphanet 777, MedGen C2931498, MONDO:0010656, OMIM 309530.

Submissions (2):

Labcorp Genetics (formerly Invitae), Labcorp
Classification: Uncertain significance for Intellectual developmental disorder, X-linked 1. Last evaluated: 2024-01-09. Review status: criteria provided, single submitter. Criteria: Invitae Variant Classification Sherloc (09022015). Collection method: clinical testing. Allele origin: germline.
Comment: This sequence change replaces proline, which is neutral and non-polar, with arginine, which is basic and polar, at codon 8 of the IQSEC2 protein (p.Pro8Arg). This variant is not present in population databases (gnomAD no frequency). This variant has not been reported in the literature in individuals affected with IQSEC2-related conditions. ClinVar contains an entry for this variant (Variation ID: 1335836). Advanced modeling of protein sequence and biophysical properties (such as structural, functional, and spatial information, amino acid conservation, physicochemical variation, residue mobility, and thermodynamic stability) performed at Invitae indicates that this missense variant is not expected to disrupt IQSEC2 protein function with a negative predictive value of 95%. In summary, the available evidence is currently insufficient to determine the role of this variant in disease. Therefore, it has been classified as a Variant of Uncertain Significance.

GeneDx
Classification: Uncertain significance. Last evaluated: 2022-01-21. Review status: criteria provided, single submitter. Criteria: GeneDx Variant Classification Process June 2021. Collection method: clinical testing. Allele origin: germline. Affected: yes.
Comment: Not observed at significant frequency in large population cohorts (gnomAD); In silico analysis supports that this missense variant does not alter protein structure/function; Has not been previously published as pathogenic or benign to our knowledge

NM_001111125.3(IQSEC2):c.23C>G (p.Pro8Arg)

Gene: IQSEC2 (IQ motif and Sec7 domain ArfGEF 2; minus strand). Cytogenetic location: Xp11.22.
Variant type: single nucleotide variant.
Coding change: c.23C>G on transcript NM_001111125.3 (MANE Select); coding-DNA position 23, C replaced by G.
Protein change: p.Pro8Arg; replaces proline 8 with arginine.
Molecular consequence: missense variant.
Genome position (GRCh38, 1-based): chrX:53,321,101, G>C on the plus strand (C>G on the coding strand, the complement: IQSEC2 is on the minus strand). VCF-style: chrX-53321101-G-C. GRCh37 (hg19) VCF-style: chrX-53350299-G-C.
Other names: short protein forms P8R.
Identifiers: ClinVar variation 1335836 (VCV001335836.5), dbSNP rs1556880353, ClinGen allele CA413240286.